The following is an entry in ClinVar:

NM_006231.4(POLE):c.2864+3G>A

Gene: POLE (DNA polymerase epsilon, catalytic subunit; minus strand). Cytogenetic location: 12q24.33.
Variant type: single nucleotide variant.
Coding change: c.2864+3G>A on transcript NM_006231.4 (MANE Select); 3 bases into the intron after coding-DNA position 2864, G replaced by A.
Molecular consequence: intron variant.
Genome position (GRCh38, 1-based): chr12:132,661,524, C>T on the plus strand (G>A on the coding strand, the complement: POLE is on the minus strand). VCF-style: chr12-132661524-C-T. GRCh37 (hg19) VCF-style: chr12-133238110-C-T.
Identifiers: ClinVar variation 405806 (VCV000405806.16), dbSNP rs1060500856, ClinGen allele CA16613682.

ClinVar aggregate classification (germline): Conflicting classifications of pathogenicity. Review status: criteria provided, conflicting classifications (1 of 4 stars). 3 submissions from 3 submitters: Uncertain significance (1); Likely benign (2). Last evaluated 2025-11-02.

Conditions:
Hereditary cancer-predisposing syndrome. Also called: Hereditary Cancer Syndrome; Hereditary neoplastic syndrome; Neoplastic Syndromes, Hereditary; Tumor predisposition. Identifiers: Orphanet 140162, MedGen C0027672, MeSH D009386, MONDO:0015356.

Allele frequency attached by ClinVar (database versions not stated): gnomAD exomes below 0.00001; gnomAD 0.00001; TOPMed 0.00001.
gnomAD v4.1: 3 of 1,613,816 alleles (0.00019%); highest among the groups gnomAD compares: Non-Finnish European, 0.00025%; no homozygotes.

Submissions (3):

Labcorp Genetics (formerly Invitae), Labcorp
Classification: Likely benign. Last evaluated: 2025-11-02. Review status: criteria provided, single submitter. Criteria: Invitae Variant Classification Sherloc (09022015). Collection method: clinical testing. Allele origin: germline.

Ambry Genetics
Classification: Uncertain significance for Hereditary cancer-predisposing syndrome. Last evaluated: 2024-12-20. Review status: criteria provided, single submitter. Criteria: Ambry Variant Classification Scheme 2023. Collection method: clinical testing. Allele origin: germline.
Comment: The c.2864+3G>A intronic variant results from a G to A substitution 3 nucleotides after coding exon 24 in the POLE gene. This nucleotide position is poorly conserved in available vertebrate species. In silico splice site analysis predicts that this alteration will not have any significant effect on splicing. Based on the available evidence, the clinical significance of this variant remains unclear.

GeneDx
Classification: Likely benign. Last evaluated: 2017-04-19. Review status: criteria provided, single submitter. Criteria: GeneDx Variant Classification (06012015). Collection method: clinical testing. Allele origin: germline. Affected: yes.
Comment: This variant is considered likely benign or benign based on one or more of the following criteria: it is a conservative change, it occurs at a poorly conserved position in the protein, it is predicted to be benign by multiple in silico algorithms, and/or has population frequency not consistent with disease.